The following is an entry in ClinVar:

ClinVar aggregate classification (germline): Benign. Review status: criteria provided, multiple submitters, no conflicts (2 of 4 stars). 2 submissions from 2 submitters: Benign (2). Last evaluated 2018-06-19.

Allele frequency attached by ClinVar (database versions not stated): 1000 Genomes Project 0.35863; 1000 Genomes Project 30x 0.36524; gnomAD exomes 0.47914; TOPMed 0.48184; gnomAD 0.48559 and 0.49714.
gnomAD v4.1: 497,221 of 1,036,684 alleles (48%); highest among the groups gnomAD compares: Non-Finnish European, 53%; 126,228 homozygotes.

Submissions (2):

GeneDx
Classification: Benign. Last evaluated: 2018-06-19. Review status: criteria provided, single submitter. Criteria: GeneDx Variant Classification (06012015). Collection method: clinical testing. Allele origin: germline. Affected: yes.
Comment: This variant is considered likely benign or benign based on one or more of the following criteria: it is a conservative change, it occurs at a poorly conserved position in the protein, it is predicted to be benign by multiple in silico algorithms, and/or has population frequency not consistent with disease.

Breakthrough Genomics
Classification: Benign. Review status: criteria provided, single submitter. Criteria: ACMG Guidelines, 2015. Collection method: not provided. Allele origin: germline. Inheritance: Autosomal recessive inheritance. Affected: yes.

NM_014694.4(ADAMTSL2):c.764-119C>T

Gene: ADAMTSL2 (ADAMTS like 2; plus strand). Cytogenetic location: 9q34.2.
Variant type: single nucleotide variant.
Coding change: c.764-119C>T on transcript NM_014694.4 (MANE Select); 119 bases into the intron before coding-DNA position 764, C replaced by T.
Molecular consequence: intron variant.
Genome position (GRCh38, 1-based): chr9:133,546,919, C>T. VCF-style: chr9-133546919-C-T. GRCh37 (hg19) VCF-style: chr9-136412041-C-T.
Other names: c.764-119C>T (NM_001145320.2).
Identifiers: ClinVar variation 680471 (VCV000680471.2), dbSNP rs11507719, ClinGen allele CA13021570.